The following is an entry in ClinVar:

NM_012431.3(SEMA3E):c.1991C>T (p.Thr664Met)

Gene: SEMA3E (semaphorin 3E; minus strand). Cytogenetic location: 7q21.11.
Variant type: single nucleotide variant.
Coding change: c.1991C>T on transcript NM_012431.3 (MANE Select); coding-DNA position 1991, C replaced by T.
Protein change: p.Thr664Met; replaces threonine 664 with methionine.
Molecular consequence: missense variant.
Genome position (GRCh38, 1-based): chr7:83,367,923, G>A on the plus strand (C>T on the coding strand, the complement: SEMA3E is on the minus strand). VCF-style: chr7-83367923-G-A. GRCh37 (hg19) VCF-style: chr7-82997239-G-A.
Other names: c.1811C>T, p.Thr604Met (NM_001178129.2); short protein forms T604M, T664M.
Identifiers: ClinVar variation 810119 (VCV000810119.51), dbSNP rs375536813, ClinGen allele CA4321847.
Genomic context (GRCh38, chr7:83,367,923, plus strand): 5'-TTGTTAAACATATCCTCGACTTTCTCCTCTTCCACTACCTCCAAGGTGATTTTACGGACC[G>A]TATGGACAAAGCTATGCTCTACTGTCTGGCAAAAATAGGTCCCAGCATCTGATTTGTGTA-3'
Protein context (NP_036563.1, residues 654-674): CQTVEHSFVH[Thr664Met]VRKITLEVVE

ClinVar aggregate classification (germline): Uncertain significance. Review status: criteria provided, multiple submitters, no conflicts (2 of 4 stars). 4 submissions from 4 submitters: Uncertain significance (3). 1 of the submissions does not count toward it. Last evaluated 2023-08-04.

Conditions:
CHARGE syndrome (CHARGE). Also called: Hittner Hirsch Kreh syndrome; CHARGE ASSOCIATION--COLOBOMA, HEART ANOMALY, CHOANAL ATRESIA, RETARDATION, GENITAL AND EAR ANOMALIES; Coloboma, heart anomaly, choanal atresia, retardation, genital and ear anomalies; CHARGE association; Hall-Hittner syndrome. Identifiers: Orphanet 138, MedGen C0265354, MONDO:0008965.
Hypogonadotropic hypogonadism 7 with or without anosmia (HH7). Also called: GNRHR-Related GnRH Deficiency; HYPOGONADOTROPIC HYPOGONADISM 7 WITHOUT ANOSMIA. Identifiers: Orphanet 432, MedGen C0342384, MONDO:0007794, OMIM 146110.

Allele frequency attached by ClinVar (database versions not stated): gnomAD exomes below 0.00001; gnomAD 0.00001; ExAC 0.00002; TOPMed 0.00002; ESP Exome Variant Server 0.00008.
gnomAD v4.1: 53 of 1,611,534 alleles (0.0033%); highest among the groups gnomAD compares: Middle Eastern, 0.016%; no homozygotes.

Submissions (4):

Labcorp Genetics (formerly Invitae), Labcorp
Classification: Uncertain significance for CHARGE syndrome. Last evaluated: 2023-08-04. Review status: criteria provided, single submitter. Criteria: Invitae Variant Classification Sherloc (09022015). Collection method: clinical testing. Allele origin: germline.
Comment: Advanced modeling of protein sequence and biophysical properties (such as structural, functional, and spatial information, amino acid conservation, physicochemical variation, residue mobility, and thermodynamic stability) performed at Invitae indicates that this missense variant is not expected to disrupt SEMA3E protein function. In summary, the available evidence is currently insufficient to determine the role of this variant in disease. Therefore, it has been classified as a Variant of Uncertain Significance. ClinVar contains an entry for this variant (Variation ID: 810119). This variant has not been reported in the literature in individuals affected with SEMA3E-related conditions. This variant is present in population databases (rs375536813, gnomAD 0.007%). This sequence change replaces threonine, which is neutral and polar, with methionine, which is neutral and non-polar, at codon 664 of the SEMA3E protein (p.Thr664Met).

Fulgent Genetics
Classification: Uncertain significance for Hypogonadotropic hypogonadism 7 with or without anosmia; CHD7-related CHARGE syndrome. Last evaluated: 2021-10-30. Review status: criteria provided, single submitter. Criteria: ACMG Guidelines, 2015. Collection method: clinical testing. Allele origin: unknown.

CeGaT Center for Human Genetics Tuebingen
Classification: Uncertain significance. Last evaluated: 2018-05-01. Review status: criteria provided, single submitter. Criteria: CeGaT Center For Human Genetics Tuebingen Variant Classification Criteria Version 2. Collection method: clinical testing. Allele origin: germline. Affected: yes. Observed: 1 variant allele.

Department of Pathology and Laboratory Medicine, Sinai Health System
Classification: Uncertain significance. Review status: no assertion criteria provided. Collection method: clinical testing. Allele origin: unknown. Affected: yes. Study: The Canadian Open Genetics Repository (COGR). Not counted in ClinVar's aggregate classification.
Comment: The SEMA3E p.Thr604Met variant was not identified in the literature nor was it identified in the ClinVar, Cosmic or MutDB databases. The variant was identified in dbSNP (ID: rs375536813) and LOVD 3.0. The variant was identified in control databases in 1 of 249208 chromosomes at a frequency of 0.000004 (Genome Aggregation Database Feb 27, 2017). The variant was observed in the following population: European (non-Finnish) in 1 of 112562 chromosomes (freq: 0.000009), while the variant was not observed in the African, Latino, Ashkenazi Jewish, East Asian, European (Finnish), Other, and South Asian populations. The p.Thr604 residue is conserved across mammals and other organisms, and four out of five computational analyses (PolyPhen-2, SIFT, BLOSUM, and MutationTaster) suggest that the variant may impact the protein; however, this information is not predictive enough to assume pathogenicity. In summary, based on the above information the clinical significance of this variant cannot be determined with certainty at this time. This variant is classified as a variant of uncertain significance.